The following is an entry in ClinVar:

NM_001987.5(ETV6):c.566A>T (p.Asn189Ile)

Gene: ETV6 (ETS variant transcription factor 6; plus strand). Cytogenetic location: 12p13.2.
Variant type: single nucleotide variant.
Coding change: c.566A>T on transcript NM_001987.5 (MANE Select); coding-DNA position 566, A replaced by T.
Protein change: p.Asn189Ile; replaces asparagine 189 with isoleucine.
Molecular consequence: missense variant.
Genome position (GRCh38, 1-based): chr12:11,869,526, A>T. VCF-style: chr12-11869526-A-T. GRCh37 (hg19) VCF-style: chr12-12022460-A-T.
Other names: c.563A>T, p.Asn188Ile (NM_001413913.1); c.539A>T, p.Asn180Ile (NM_001413914.1); c.302A>T, p.Asn101Ile (NM_001413915.1); c.566A>T, p.Asn189Ile (NM_001413916.1, NM_001413917.1); short protein forms N180I, N101I, N189I, N188I.
Identifiers: ClinVar variation 4020101 (VCV004020101.1).

ClinVar aggregate classification (germline): Uncertain significance (1 of 4 stars; one submission).

Conditions:
Inborn genetic diseases. Identifiers: MedGen C0950123, MeSH D030342.

Submission:

Ambry Genetics
Classification: Uncertain significance for Inborn genetic diseases. Last evaluated: 2025-05-16. Review status: criteria provided, single submitter. Criteria: Ambry Variant Classification Scheme 2023. Collection method: clinical testing. Allele origin: germline.
Comment: The p.N189I variant (also known as c.566A>T), located in coding exon 5 of the ETV6 gene, results from an A to T substitution at nucleotide position 566. The asparagine at codon 189 is replaced by isoleucine, an amino acid with dissimilar properties. This amino acid position is well conserved in available vertebrate species. In addition, this alteration is predicted to be tolerated by in silico analysis. Based on the available evidence, the clinical significance of this variant remains unclear.